The following is an entry in ClinVar:

NM_001144869.3(LIPT2):c.161G>A (p.Gly54Glu)

Genes: LIPT2 (lipoyl(octanoyl) transferase 2; minus strand), LIPT2-AS1 (LIPT2 antisense RNA 1; plus strand), LOC130006411 (ATAC-STARR-seq lymphoblastoid silent region 3753; plus strand). Cytogenetic location: 11q13.4.
Variant type: single nucleotide variant.
Coding change: c.161G>A on transcript NM_001144869.3 (MANE Select); coding-DNA position 161, G replaced by A.
Protein change: p.Gly54Glu; replaces glycine 54 with glutamic acid.
Molecular consequence: missense variant. On other transcripts: non-coding transcript variant (1).
Genome position (GRCh38, 1-based): chr11:74,493,543, C>T on the plus strand (G>A on the coding strand, the complement: LIPT2 is on the minus strand). VCF-style: chr11-74493543-C-T. GRCh37 (hg19) VCF-style: chr11-74204588-C-T.
Other names: c.161G>A, p.Gly54Glu (NM_001329941.2, NM_001329942.2); short protein forms G54E.
Identifiers: ClinVar variation 4704932 (VCV004704932.1).

ClinVar aggregate classification (germline): Uncertain significance (1 of 4 stars; one submission).

Submission:

Labcorp Genetics (formerly Invitae), Labcorp
Classification: Uncertain significance. Last evaluated: 2025-05-01. Review status: criteria provided, single submitter. Criteria: Invitae Variant Classification Sherloc (09022015). Collection method: clinical testing. Allele origin: germline.
Comment: This sequence change replaces glycine, which is neutral and non-polar, with glutamic acid, which is acidic and polar, at codon 54 of the LIPT2 protein (p.Gly54Glu). This variant is not present in population databases (gnomAD no frequency). This variant has not been reported in the literature in individuals affected with LIPT2-related conditions. An algorithm developed to predict the effect of missense changes on protein structure and function (PolyPhen-2) suggests that this variant is likely to be tolerated. In summary, the available evidence is currently insufficient to determine the role of this variant in disease. Therefore, it has been classified as a Variant of Uncertain Significance.